The following is an entry in ClinVar:

NM_001297.5(CNGB1):c.119A>C (p.Glu40Ala)

Gene: CNGB1 (cyclic nucleotide gated channel subunit beta 1; minus strand). Cytogenetic location: 16q21.
Variant type: single nucleotide variant.
Coding change: c.119A>C on transcript NM_001297.5 (MANE Select); coding-DNA position 119, A replaced by C.
Protein change: p.Glu40Ala; replaces glutamic acid 40 with alanine.
Molecular consequence: missense variant.
Genome position (GRCh38, 1-based): chr16:57,967,168, T>G on the plus strand (A>C on the coding strand, the complement: CNGB1 is on the minus strand). VCF-style: chr16-57967168-T-G. GRCh37 (hg19) VCF-style: chr16-58001072-T-G.
Other names: c.119A>C, p.Glu40Ala (NM_001135639.2, NM_001286130.2); short protein forms E40A.
Identifiers: ClinVar variation 938303 (VCV000938303.8), dbSNP rs1006717861, ClinGen allele CA281600887.

ClinVar aggregate classification (germline): Uncertain significance (1 of 4 stars; one submission).

Allele frequency attached by ClinVar (database versions not stated): gnomAD 0.00001; gnomAD exomes below 0.00001; TOPMed below 0.00001.
gnomAD v4.1: 5 of 1,614,068 alleles (0.00031%); highest among the groups gnomAD compares: Admixed American, 0.005%; no homozygotes.

Submission:

Labcorp Genetics (formerly Invitae), Labcorp
Classification: Uncertain significance. Last evaluated: 2022-02-04. Review status: criteria provided, single submitter. Criteria: Invitae Variant Classification Sherloc (09022015). Collection method: clinical testing. Allele origin: germline.
Comment: Advanced modeling of protein sequence and biophysical properties (such as structural, functional, and spatial information, amino acid conservation, physicochemical variation, residue mobility, and thermodynamic stability) performed at Invitae indicates that this missense variant is not expected to disrupt CNGB1 protein function. In summary, the available evidence is currently insufficient to determine the role of this variant in disease. Therefore, it has been classified as a Variant of Uncertain Significance. ClinVar contains an entry for this variant (Variation ID: 938303). This sequence change replaces glutamic acid, which is acidic and polar, with alanine, which is neutral and non-polar, at codon 40 of the CNGB1 protein (p.Glu40Ala). This variant is present in population databases (no rsID available, gnomAD 0.01%). This variant has not been reported in the literature in individuals affected with CNGB1-related conditions.